The following is an entry in ClinVar:

ClinVar aggregate classification (germline): Uncertain significance (1 of 4 stars; one submission).

Conditions:
Cardiovascular phenotype. Identifiers: MedGen CN230736.

Allele frequency attached by ClinVar (database versions not stated): gnomAD exomes below 0.00001.
gnomAD v4.1: 2 of 1,550,012 alleles (0.00013%); highest among the groups gnomAD compares: South Asian, 0.0024%; no homozygotes.

Submission:

Ambry Genetics
Classification: Uncertain significance for Cardiovascular phenotype. Last evaluated: 2022-03-03. Review status: criteria provided, single submitter. Criteria: Ambry Variant Classification Scheme 2023. Collection method: clinical testing. Allele origin: germline.
Comment: The p.G2802R variant (also known as c.8404G>A), located in coding exon 2 of the ZNF469 gene, results from a G to A substitution at nucleotide position 8404. The glycine at codon 2802 is replaced by arginine, an amino acid with dissimilar properties. This amino acid position is conserved. In addition, this alteration is predicted to be tolerated by in silico analysis. Since supporting evidence is limited at this time, the clinical significance of this alteration remains unclear.

NM_001367624.2(ZNF469):c.8488G>A (p.Gly2830Arg)

Gene: ZNF469 (zinc finger protein 469; plus strand). Cytogenetic location: 16q24.2.
Variant type: single nucleotide variant.
Coding change: c.8488G>A on transcript NM_001367624.2 (MANE Select); coding-DNA position 8488, G replaced by A.
Protein change: p.Gly2830Arg; replaces glycine 2830 with arginine.
Molecular consequence: missense variant.
Genome position (GRCh38, 1-based): chr16:88,435,958, G>A. VCF-style: chr16-88435958-G-A. GRCh37 (hg19) VCF-style: chr16-88502366-G-A.
Other names: NM_001127464.1:c.8404G>A; short protein forms G2830R.
Identifiers: ClinVar variation 1763259 (VCV001763259.2), dbSNP rs1906540900, ClinGen allele CA397118123.